The following is an entry in ClinVar:

NM_001164508.2(NEB):c.9329A>G (p.Tyr3110Cys)

Gene: NEB (nebulin; minus strand). Cytogenetic location: 2q23.3.
Variant type: single nucleotide variant.
Coding change: c.9329A>G on transcript NM_001164508.2 (MANE Select); coding-DNA position 9329, A replaced by G.
Protein change: p.Tyr3110Cys; replaces tyrosine 3110 with cysteine.
Molecular consequence: missense variant. On other transcripts: intron variant (1).
Genome position (GRCh38, 1-based): chr2:151,633,739, T>C on the plus strand (A>G on the coding strand, the complement: NEB is on the minus strand). VCF-style: chr2-151633739-T-C. GRCh37 (hg19) VCF-style: chr2-152490253-T-C.
Other names: c.9329A>G, p.Tyr3110Cys (NM_001164507.2, NM_001271208.2); c.8854-2561A>G (NM_004543.5); short protein forms Y3110C.
Identifiers: ClinVar variation 534010 (VCV000534010.13), dbSNP rs778306283, ClinGen allele CA1909363.

ClinVar aggregate classification (germline): Uncertain significance. Review status: criteria provided, multiple submitters, no conflicts (2 of 4 stars). 4 submissions from 4 submitters: Uncertain significance (3). 1 of the submissions does not count toward it. Last evaluated 2022-03-20.

Conditions:
Nemaline myopathy 2 (NEM2). Also called: Nemaline myopathy 2, autosomal recessive. Identifiers: MedGen C1850569, MONDO:0009725, OMIM 256030.

Allele frequency attached by ClinVar (database versions not stated): ExAC 0.00001; gnomAD 0.00001; gnomAD exomes 0.00001; TOPMed 0.00001.
gnomAD v4.1: 11 of 1,613,886 alleles (0.00068%); highest among the groups gnomAD compares: Non-Finnish European, 0.00093%; no homozygotes.

Submissions (4):

Labcorp Genetics (formerly Invitae), Labcorp
Classification: Uncertain significance for Nemaline myopathy 2. Last evaluated: 2022-03-20. Review status: criteria provided, single submitter. Criteria: Invitae Variant Classification Sherloc (09022015). Collection method: clinical testing. Allele origin: germline.
Comment: This sequence change replaces tyrosine, which is neutral and polar, with cysteine, which is neutral and slightly polar, at codon 3110 of the NEB protein (p.Tyr3110Cys). This variant is present in population databases (rs778306283, gnomAD 0.003%). This variant has not been reported in the literature in individuals affected with NEB-related conditions. ClinVar contains an entry for this variant (Variation ID: 534010). Algorithms developed to predict the effect of missense changes on protein structure and function are either unavailable or do not agree on the potential impact of this missense change (SIFT: "Deleterious"; PolyPhen-2: "Not Available"; Align-GVGD: "Class C0"). Algorithms developed to predict the effect of sequence changes on RNA splicing suggest that this variant may create or strengthen a splice site. In summary, the available evidence is currently insufficient to determine the role of this variant in disease. Therefore, it has been classified as a Variant of Uncertain Significance.

Blueprint Genetics
Classification: Uncertain significance. Last evaluated: 2020-06-01. Review status: criteria provided, single submitter. Criteria: ACMG Guidelines, 2015. Collection method: clinical testing. Allele origin: germline.

Revvity Omics, Revvity
Classification: Uncertain significance. Last evaluated: 2019-08-14. Review status: criteria provided, single submitter. Criteria: ACMG Guidelines, 2015. Collection method: clinical testing. Allele origin: germline.

Natera, Inc.
Classification: Uncertain significance for Nemaline myopathy type 2. Last evaluated: 2019-11-11. Review status: no assertion criteria provided. Collection method: clinical testing. Allele origin: germline. Not counted in ClinVar's aggregate classification.